The following is an entry in ClinVar:

ClinVar aggregate classification (germline): Uncertain significance (1 of 4 stars; one submission).

Conditions:
Immunodeficiency, common variable, 4. Also called: ANTIBODY DEFICIENCY DUE TO BAFFR DEFECT. Identifiers: Orphanet 1572, Orphanet 696925, MedGen C3150739, MONDO:0013284, OMIM 613494.

Submission:

Labcorp Genetics (formerly Invitae), Labcorp
Classification: Uncertain significance for Immunodeficiency, common variable, 4. Last evaluated: 2019-07-17. Review status: criteria provided, single submitter. Criteria: Invitae Variant Classification Sherloc (09022015). Collection method: clinical testing. Allele origin: germline.
Comment: Algorithms developed to predict the effect of missense changes on protein structure and function output the following: SIFT: "Tolerated"; PolyPhen-2: "Benign"; Align-GVGD: "Class C0". The serine amino acid residue is found in multiple mammalian species, suggesting that this missense change does not adversely affect protein function. These predictions have not been confirmed by published functional studies and their clinical significance is uncertain. In summary, the available evidence is currently insufficient to determine the role of this variant in disease. Therefore, it has been classified as a Variant of Uncertain Significance. This variant has not been reported in the literature in individuals with TNFRSF13C-related conditions. The frequency data for this variant in the population databases is considered unreliable, as metrics indicate insufficient coverage at this position in the ExAC database. This sequence change replaces alanine with serine at codon 13 of the TNFRSF13C protein (p.Ala13Ser). The alanine residue is weakly conserved and there is a moderate physicochemical difference between alanine and serine.

NM_052945.4(TNFRSF13C):c.37G>T (p.Ala13Ser)

Genes: TNFRSF13C (TNF receptor superfamily member 13C; minus strand), LOC130067574 (ATAC-STARR-seq lymphoblastoid silent region 13813; plus strand). Cytogenetic location: 22q13.2.
Variant type: single nucleotide variant.
Coding change: c.37G>T on transcript NM_052945.4 (MANE Select); coding-DNA position 37, G replaced by T.
Protein change: p.Ala13Ser; replaces alanine 13 with serine.
Molecular consequence: missense variant.
Genome position (GRCh38, 1-based): chr22:41,926,737, C>A on the plus strand (G>T on the coding strand, the complement: TNFRSF13C is on the minus strand). VCF-style: chr22-41926737-C-A. GRCh37 (hg19) VCF-style: chr22-42322741-C-A.
Other names: short protein forms A13S.
Identifiers: ClinVar variation 950419 (VCV000950419.10), dbSNP rs2077635069, ClinGen allele CA411763854.